The following is an entry in ClinVar:

ClinVar aggregate classification (germline): Conflicting classifications of pathogenicity. Review status: criteria provided, conflicting classifications (1 of 4 stars). 3 submissions from 3 submitters: Likely pathogenic (1); Uncertain significance (2). Last evaluated 2024-08-06.

Conditions:
Recurrent metabolic encephalomyopathic crises-rhabdomyolysis-cardiac arrhythmia-intellectual disability syndrome (MECRCN). Also called: TANGO2 Deficiency; Metabolic encephalomyopathic crises, recurrent, with rhabdomyolysis, cardiac arrhythmias, and neurodegeneration; METABOLIC CRISES, RECURRENT, WITH RHABDOMYOLYSIS, CARDIAC ARRHYTHMIAS, AND NEURODEGENERATION. Identifiers: Orphanet 480864, MedGen C5567524, MONDO:0018820, OMIM 616878.

Allele frequency attached by ClinVar (database versions not stated): ExAC 0.00001; gnomAD 0.00001; gnomAD exomes 0.00001 and 0.00002; TOPMed 0.00001.
gnomAD v4.1: 29 of 1,612,180 alleles (0.0018%); highest among the groups gnomAD compares: South Asian, 0.0033%; no homozygotes.

Submissions (3):

GeneDx
Classification: Likely pathogenic. Last evaluated: 2024-08-06. Review status: criteria provided, single submitter. Criteria: GeneDx Variant Classification Process June 2021. Collection method: clinical testing. Allele origin: germline. Affected: yes.
Comment: Not observed at significant frequency in large population cohorts (gnomAD); In silico analysis supports that this missense variant has a deleterious effect on protein structure/function; This variant is associated with the following publications: (PMID: 35982159, LiH2023[preprint])

Labcorp Genetics (formerly Invitae), Labcorp
Classification: Uncertain significance. Last evaluated: 2022-01-18. Review status: criteria provided, single submitter. Criteria: Invitae Variant Classification Sherloc (09022015). Collection method: clinical testing. Allele origin: germline.
Comment: In summary, the available evidence is currently insufficient to determine the role of this variant in disease. Therefore, it has been classified as a Variant of Uncertain Significance. Algorithms developed to predict the effect of missense changes on protein structure and function are either unavailable or do not agree on the potential impact of this missense change (SIFT: "Not Available"; PolyPhen-2: "Probably Damaging"; Align-GVGD: "Not Available"). ClinVar contains an entry for this variant (Variation ID: 1301615). This variant has not been reported in the literature in individuals affected with TANGO2-related conditions. This variant is present in population databases (rs771969240, gnomAD 0.006%). This sequence change replaces glycine, which is neutral and non-polar, with serine, which is neutral and polar, at codon 235 of the TANGO2 protein (p.Gly235Ser).

Dubai Health Genomic Medicine Center, Dubai Health
Classification: Uncertain significance for Recurrent metabolic encephalomyopathic crises-rhabdomyolysis-cardiac arrhythmia-intellectual disability syndrome. Last evaluated: 2020-09-13. Review status: criteria provided, single submitter. Criteria: ACMG Guidelines, 2015. Collection method: clinical testing. Allele origin: germline. Affected: yes.

NM_152906.7(TANGO2):c.703G>A (p.Gly235Ser)

Gene: TANGO2 (transport and golgi organization 2 homolog; plus strand). Cytogenetic location: 22q11.21.
Variant type: single nucleotide variant.
Coding change: c.703G>A on transcript NM_152906.7 (MANE Select); coding-DNA position 703, G replaced by A.
Protein change: p.Gly235Ser; replaces glycine 235 with serine.
Molecular consequence: missense variant. On other transcripts: 3 prime UTR variant (1), non-coding transcript variant (5), intron variant (1).
Genome position (GRCh38, 1-based): chr22:20,063,435, G>A. VCF-style: chr22-20063435-G-A. GRCh37 (hg19) VCF-style: chr22-20050958-G-A.
Other names: c.703G>A (NM_152906.4); c.703G>A, p.Gly235Ser (NM_001283106.3, NM_001283116.3, NM_001322142.2); c.826G>A, p.Gly276Ser (NM_001283129.3, NM_001322141.2, NM_001322143.2); c.701G>A, p.Arg234Gln (NM_001283148.3, NM_001283154.3); c.517G>A, p.Gly173Ser (NM_001283179.3, NM_001283186.3, NM_001322163.2 and 2 more transcripts); c.478G>A, p.Gly160Ser (NM_001283199.3); c.409G>A, p.Gly137Ser (NM_001283235.3, NM_001322150.2, NM_001322153.2 and 6 more transcripts); c.*39G>A (NM_001283248.3); and 6 more; short protein forms G137S, G160S, G173S, G201S, G214S, G235S, G276S, R172Q.
Identifiers: ClinVar variation 1301615 (VCV001301615.7), dbSNP rs771969240, ClinGen allele CA10106535.
Genomic context (GRCh38, chr22:20,063,435, plus strand): 5'-GAGTACGTGCAGCCCATGCTGAGCAAGTACGCGGCTGTGTGCGTGCGCTGCCCTGGCTAC[G>A]GCACCAGGTATTGCAGCACCGTGGGTGCGCCACCTCCTATCCCATGTCCCACCTCCCACG-3'
Protein context (NP_690870.3, residues 225-245): AAVCVRCPGY[Gly235Ser]TRTNTIILVD